The following is an entry in ClinVar:

NM_177924.5(ASAH1):c.928A>C (p.Lys310Gln)

Gene: ASAH1 (N-acylsphingosine amidohydrolase 1; minus strand). Cytogenetic location: 8p22.
Variant type: single nucleotide variant.
Coding change: c.928A>C on transcript NM_177924.5 (MANE Select); coding-DNA position 928, A replaced by C.
Protein change: p.Lys310Gln; replaces lysine 310 with glutamine.
Molecular consequence: missense variant.
Genome position (GRCh38, 1-based): chr8:18,059,454, T>G on the plus strand (A>C on the coding strand, the complement: ASAH1 is on the minus strand). VCF-style: chr8-18059454-T-G. GRCh37 (hg19) VCF-style: chr8-17916963-T-G.
Other names: c.910A>C, p.Lys304Gln (NM_001127505.3); c.733A>C, p.Lys245Gln (NM_001363743.2); c.976A>C, p.Lys326Gln (NM_004315.6); c.976A>C (NM_004315.5); short protein forms K304Q, K245Q, K310Q, K326Q.
Identifiers: ClinVar variation 719984 (VCV000719984.44), dbSNP rs139585444, ClinGen allele CA4650617.

ClinVar aggregate classification (germline): Conflicting classifications of pathogenicity. Review status: criteria provided, conflicting classifications (1 of 4 stars). 5 submissions from 5 submitters: Uncertain significance (1); Likely benign (4). Last evaluated 2026-01-17.

Conditions:
ASAH1-related disorders. Also called: ASAH1-related condition; ASAH1-related disorder. Identifiers: MedGen CN376120, MONDO:0800460.

Allele frequency attached by ClinVar (database versions not stated): TOPMed 0.00013; ESP Exome Variant Server 0.00015; gnomAD 0.00017 and 0.00027; gnomAD exomes 0.00037 and 0.00058; ExAC 0.00061; 1000 Genomes Project 30x 0.00078; 1000 Genomes Project 0.00080.
gnomAD v4.1: 578 of 1,614,190 alleles (0.036%); highest among the groups gnomAD compares: South Asian, 0.37%; 7 homozygotes.

Submissions (5):

Labcorp Genetics (formerly Invitae), Labcorp
Classification: Likely benign. Last evaluated: 2026-01-17. Review status: criteria provided, single submitter. Criteria: Invitae Variant Classification Sherloc (09022015). Collection method: clinical testing. Allele origin: germline.

CeGaT Center for Human Genetics Tuebingen
Classification: Likely benign. Last evaluated: 2025-12-01. Review status: criteria provided, single submitter. Criteria: CeGaT Center For Human Genetics Tuebingen Variant Classification Criteria Version 2. Collection method: clinical testing. Allele origin: germline. Affected: yes. Observed: 4 variant alleles.
Comment: ASAH1: BP4, BS1

PreventionGenetics, part of Exact Sciences
Classification: Likely benign for ASAH1-related condition. Last evaluated: 2024-12-16. Review status: criteria provided, single submitter. Criteria: ACMG Guidelines, 2015. Collection method: clinical testing. Allele origin: germline.
Comment: This variant is classified as likely benign based on ACMG/AMP sequence variant interpretation guidelines (Richards et al. 2015 PMID: 25741868, with internal and published modifications).

Blueprint Genetics
Classification: Uncertain significance. Last evaluated: 2024-11-07. Review status: criteria provided, single submitter. Criteria: ACMG Guidelines, 2015. Collection method: clinical testing. Allele origin: germline.

Breakthrough Genomics
Classification: Likely benign. Review status: criteria provided, single submitter. Criteria: ACMG Guidelines, 2015. Collection method: not provided. Allele origin: germline. Inheritance: Autosomal recessive inheritance. Affected: yes.